The following is an entry in ClinVar:

ClinVar aggregate classification (germline): Uncertain significance (1 of 4 stars; one submission).

Conditions:
Tuberous sclerosis 1 (TSC1). Identifiers: Orphanet 805, MedGen C1854465, MONDO:0008612, OMIM 191100.

Submission:

Clinical Genomics Laboratory, Washington University in St. Louis
Classification: Uncertain significance for Tuberous sclerosis 1. Last evaluated: 2024-02-19. Review status: criteria provided, single submitter. Criteria: ACMG Guidelines, 2015. Collection method: clinical testing. Allele origin: somatic.
Comment: A TSC1 c.3016G>A (p.Gly1006Arg) variant was identified at an allelic fraction consistent with somatic origin. This variant, to our knowledge, has not been reported in the medical literature. This variant is absent from the general population (gnomAD v4.0.0), indicating it is not a common variant. Computational predictors are uncertain as to the impact of this variant on TSC1 function. Due to limited information, and based on ACMG/AMP guidelines for variant interpretation (Richards S et al., PMID: 25741868), the clinical significance of the TSC1 c.3016G>A (p.Gly1006Arg) variant is uncertain at this time.

NM_000368.5(TSC1):c.3016G>A (p.Gly1006Arg)

Gene: TSC1 (TSC complex subunit 1; minus strand). Cytogenetic location: 9q34.13.
Variant type: single nucleotide variant.
Coding change: c.3016G>A on transcript NM_000368.5 (MANE Select); coding-DNA position 3016, G replaced by A.
Protein change: p.Gly1006Arg; replaces glycine 1006 with arginine.
Molecular consequence: missense variant. On other transcripts: non-coding transcript variant (5).
Genome position (GRCh38, 1-based): chr9:132,896,714, C>T on the plus strand (G>A on the coding strand, the complement: TSC1 is on the minus strand). VCF-style: chr9-132896714-C-T. GRCh37 (hg19) VCF-style: chr9-135772101-C-T.
Other names: c.3013G>A, p.Gly1005Arg (NM_001162426.2, NM_001406597.1, NM_001406598.1 and 2 more transcripts); c.2863G>A, p.Gly955Arg (NM_001162427.2, NM_001406610.1); c.2653G>A, p.Gly885Arg (NM_001362177.2, NM_001406614.1, NM_001406615.1 and 4 more transcripts); c.3016G>A, p.Gly1006Arg (NM_001406592.1, NM_001406593.1, NM_001406594.1 and 2 more transcripts); c.3001G>A, p.Gly1001Arg (NM_001406601.1, NM_001406602.1); c.2998G>A, p.Gly1000Arg (NM_001406603.1, NM_001406604.1); c.2974G>A, p.Gly992Arg (NM_001406605.1, NM_001406606.1, NM_001406607.1); c.2971G>A, p.Gly991Arg (NM_001406608.1, NM_001406609.1); and 8 more; short protein forms G1000R, G1001R, G1005R, G1006R, G655R, G688R, G689R, G870R.
Identifiers: ClinVar variation 3238633 (VCV003238633.1), dbSNP rs1242948205.